The following is an entry in ClinVar:

ClinVar aggregate classification (germline): Likely pathogenic (1 of 4 stars; one submission).

Conditions:
Early-infantile DEE. Also called: Early infantile epileptic encephalopathy with suppression bursts; Early infantile epileptic encephalopathy; Ohtahara syndrome. Identifiers: Orphanet 1934, MedGen C0393706, MONDO:0800491.

Submission:

Labcorp Genetics (formerly Invitae), Labcorp
Classification: Likely pathogenic for Early-infantile DEE. Last evaluated: 2022-02-04. Review status: criteria provided, single submitter. Criteria: Invitae Variant Classification Sherloc (09022015). Collection method: clinical testing. Allele origin: germline.
Comment: This variant results in the deletion of part of exon 24 (c.4563_4581+39del) of the SCN1A gene. It is expected to disrupt RNA splicing. Variants that disrupt the donor or acceptor splice site typically lead to a loss of protein function (PMID: 16199547), and loss-of-function variants in SCN1A are known to be pathogenic (PMID: 17347258, 18930999). This variant is not present in population databases (gnomAD no frequency). This variant has not been reported in the literature in individuals affected with SCN1A-related conditions. ClinVar contains an entry for this variant (Variation ID: 577218). In summary, the currently available evidence indicates that the variant is pathogenic, but additional data are needed to prove that conclusively. Therefore, this variant has been classified as Likely Pathogenic.

Literature cited by the submitters: PubMed 16199547; PubMed 17347258; PubMed 18930999.

NM_001165963.4(SCN1A):c.4563_4581+39del

Genes: SCN1A (sodium voltage-gated channel alpha subunit 1; minus strand), LOC102724058 (uncharacterized LOC102724058; plus strand). Cytogenetic location: 2q24.3.
Variant type: Deletion.
Coding change: c.4563_4581+39del on transcript NM_001165963.4 (MANE Select); coding-DNA position 4563 through 39 bases into the intron after coding-DNA position 4581, 58 bases deleted.
Molecular consequence: splice donor variant.
Genome position (GRCh38, 1-based): chr2:165,995,974-165,996,031, 58 bases deleted. GRCh37 (hg19): chr2:166,852,488-166,852,545.
Other names: c.4563_4581+39delGCCTATACCTCGACCAGGAGTAAGAAGTATCAAATGATATGGGGGAAAAATACAAAAA (NM_001165963.1); c.4530_4548+39del (NM_001353949.2, NM_001353950.2, NM_001353951.2 and 2 more transcripts); c.4479_4497+39del (NM_001353958.2, NM_001353957.2, NM_001165964.3); c.4563_4581+39del (NM_001202435.3, NM_001353948.2); c.4527_4545+39del (NM_001353955.2, NM_001353954.2); c.4476_4494+39del (NM_001353960.2); c.2121_2139+39del (NM_001353961.2).
Identifiers: ClinVar variation 577218 (VCV000577218.9), dbSNP rs1559114202, ClinGen allele CA891842564.